The following is an entry in ClinVar:

NM_001942.4(DSG1):c.1892delG

Genes: DSG1 (desmoglein 1; plus strand), DSG1-AS1 (DSG1 antisense RNA 1; minus strand). Cytogenetic location: 18q12.1.
Variant type: Deletion.
Coding change: c.1892delG on transcript NM_001942.4 (MANE Select); coding-DNA position 1892, one base deleted (G).
Molecular consequence: splice acceptor variant.
Genome position (GRCh38, 1-based): chr18:31,345,990, G deleted; the last of 2 consecutive G bases (chr18:31,345,989-31,345,990); deleting either gives the same sequence. VCF-style (leftmost placement, unchanged base first): chr18-31345988-AG-A. GRCh37 (hg19) VCF-style: chr18-28925951-AG-A.
Identifiers: ClinVar variation 1064410 (VCV001064410.2), dbSNP rs2144110924, ClinGen allele CA2499225114.

ClinVar aggregate classification (germline): Likely pathogenic (0 of 4 stars; one submission).

Conditions:
Palmoplantar keratoderma i, striate, focal, or diffuse. Also called: KERATOSIS PALMOPLANTARIS STRIATA I; KERATODERMA, PALMOPLANTAR, STRIATE FORM I; STRIATE PALMOPLANTAR KERATODERMA I; Keratosis Palmoplantaris Striata I, AD; PALMOPLANTAR KERATODERMA I, STRIATE OR DIFFUSE; PALMOPLANTAR KERATODERMA I, FOCAL. Identifiers: Orphanet 369999, Orphanet 370002, MedGen C2931122, MONDO:0007859, OMIM 148700.

Submission:

Institute  of  Dermatology, Anhui  Medical  University
Classification: Likely pathogenic for Palmoplantar keratoderma i, striate, focal, or diffuse. Last evaluated: 2021-04-12. Review status: no assertion criteria provided. Collection method: research. Allele origin: inherited. Inheritance: Autosomal dominant inheritance. Affected: yes.
Comment: Sanger sequencing was used to identify mutation gene in a Chinese Han family with diffuse palmoplantar keratoderma. The analysis of the data identified the heterozygous (c.1892delG; p.Gly631GlufsX21) variant in the exon 14 of DSG1 gene. The variant was neither reported in the ClinVar, dbSNP, the 1000 Genomes Database, or the OMIM databases. In addition,Mutation Taster predicted that c.1892delG in DSG1 gene was a disease-causing mutation(prob= 1) through two possible pathogenic mechanisms: nonsense-mediated mRNA decay and splicing abnormality.

Literature cited by the submitters: DOI 10.1001/archderm.141.5.625; DOI 10.1111/bjd.14973; DOI 10.1111/1346-8138.13219.